The following is an entry in ClinVar:

ClinVar aggregate classification (germline): Uncertain significance (1 of 4 stars; one submission).

Conditions:
Glycogen storage disease due to muscle and heart glycogen synthase deficiency. Also called: GSD 0b; MUSCLE GLYCOGEN SYNTHASE DEFICIENCY. Identifiers: Orphanet 137625, MedGen C1969054, MONDO:0012693, OMIM 611556.

gnomAD v4.1: 1 of 1,613,838 alleles (0.000062%); highest among the groups gnomAD compares: Non-Finnish European, 0.000085%; no homozygotes.

Submission:

Labcorp Genetics (formerly Invitae), Labcorp
Classification: Uncertain significance for Glycogen storage disease due to muscle and heart glycogen synthase deficiency. Last evaluated: 2020-01-01. Review status: criteria provided, single submitter. Criteria: Invitae Variant Classification Sherloc (09022015). Collection method: clinical testing. Allele origin: germline.
Comment: Algorithms developed to predict the effect of missense changes on protein structure and function are either unavailable or do not agree on the potential impact of this missense change (SIFT: "Deleterious"; PolyPhen-2: "Benign"; Align-GVGD: "Class C0"). This variant has not been reported in the literature in individuals with GYS1-related conditions. This variant is not present in population databases (ExAC no frequency). This sequence change replaces alanine with serine at codon 339 of the GYS1 protein (p.Ala339Ser). The alanine residue is highly conserved and there is a moderate physicochemical difference between alanine and serine. In summary, the available evidence is currently insufficient to determine the role of this variant in disease. Therefore, it has been classified as a Variant of Uncertain Significance.

NM_002103.5(GYS1):c.1015G>T (p.Ala339Ser)

Gene: GYS1 (glycogen synthase 1; minus strand). Cytogenetic location: 19q13.33.
Variant type: single nucleotide variant.
Coding change: c.1015G>T on transcript NM_002103.5 (MANE Select); coding-DNA position 1015, G replaced by T.
Protein change: p.Ala339Ser; replaces alanine 339 with serine.
Molecular consequence: missense variant. On other transcripts: non-coding transcript variant (1).
Genome position (GRCh38, 1-based): chr19:48,982,302, C>A on the plus strand (G>T on the coding strand, the complement: GYS1 is on the minus strand). VCF-style: chr19-48982302-C-A. GRCh37 (hg19) VCF-style: chr19-49485559-C-A.
Other names: c.823G>T, p.Ala275Ser (NM_001161587.2); short protein forms A275S, A339S.
Identifiers: ClinVar variation 1013781 (VCV001013781.9), dbSNP rs2038777847, ClinGen allele CA406763342.